The following is an entry in ClinVar:

NM_020937.4(FANCM):c.4076A>G (p.Lys1359Arg)

Gene: FANCM (FA complementation group M; plus strand). Cytogenetic location: 14q21.2.
Variant type: single nucleotide variant.
Coding change: c.4076A>G on transcript NM_020937.4 (MANE Select); coding-DNA position 4076, A replaced by G.
Protein change: p.Lys1359Arg; replaces lysine 1359 with arginine.
Molecular consequence: missense variant.
Genome position (GRCh38, 1-based): chr14:45,176,830, A>G. VCF-style: chr14-45176830-A-G. GRCh37 (hg19) VCF-style: chr14-45646033-A-G.
Other names: c.3998A>G, p.Lys1333Arg (NM_001308133.2); short protein forms K1359R, K1333R.
Identifiers: ClinVar variation 843036 (VCV000843036.9), dbSNP rs758862288, ClinGen allele CA259628639.

ClinVar aggregate classification (germline): Uncertain significance (1 of 4 stars; one submission).

Conditions:
Fanconi anemia (FA). Also called: Fanconi's anemia. Identifiers: Orphanet 84, MedGen C0015625, MeSH D005199, MONDO:0019391.

Allele frequency attached by ClinVar (database versions not stated): gnomAD 0.00001; gnomAD exomes 0.00001; TOPMed 0.00001.
gnomAD v4.1: 12 of 1,608,008 alleles (0.00075%); highest among the groups gnomAD compares: Non-Finnish European, 0.001%; no homozygotes.

Submission:

Labcorp Genetics (formerly Invitae), Labcorp
Classification: Uncertain significance for Fanconi anemia. Last evaluated: 2019-01-18. Review status: criteria provided, single submitter. Criteria: Invitae Variant Classification Sherloc (09022015). Collection method: clinical testing. Allele origin: germline.
Comment: In summary, the available evidence is currently insufficient to determine the role of this variant in disease. Therefore, it has been classified as a Variant of Uncertain Significance. Algorithms developed to predict the effect of missense changes on protein structure and function output the following: SIFT: "Tolerated"; PolyPhen-2: "Benign"; Align-GVGD: "Class C0". The arginine amino acid residue is found in multiple mammalian species, suggesting that this missense change does not adversely affect protein function. These predictions have not been confirmed by published functional studies and their clinical significance is uncertain. This variant has not been reported in the literature in individuals with FANCM-related conditions. This variant is not present in population databases (ExAC no frequency). This sequence change replaces lysine with arginine at codon 1359 of the FANCM protein (p.Lys1359Arg). The lysine residue is weakly conserved and there is a small physicochemical difference between lysine and arginine.